The following is an entry in ClinVar:

NM_012338.4(TSPAN12):c.91G>A (p.Val31Ile)

Gene: TSPAN12 (tetraspanin 12; minus strand). Cytogenetic location: 7q31.31.
Variant type: single nucleotide variant.
Coding change: c.91G>A on transcript NM_012338.4 (MANE Select); coding-DNA position 91, G replaced by A.
Protein change: p.Val31Ile; replaces valine 31 with isoleucine.
Molecular consequence: missense variant.
Genome position (GRCh38, 1-based): chr7:120,840,085, C>T on the plus strand (G>A on the coding strand, the complement: TSPAN12 is on the minus strand). VCF-style: chr7-120840085-C-T. GRCh37 (hg19) VCF-style: chr7-120480139-C-T.
Other names: short protein forms V31I.
Identifiers: ClinVar variation 2106081 (VCV002106081.4), dbSNP rs1483182812, ClinGen allele CA369141593.

ClinVar aggregate classification (germline): Uncertain significance (1 of 4 stars; one submission).

Allele frequency attached by ClinVar (database versions not stated): TOPMed below 0.00001; gnomAD 0.00001; gnomAD exomes below 0.00001.
gnomAD v4.1: 4 of 1,613,684 alleles (0.00025%); highest among the groups gnomAD compares: Non-Finnish European, 0.00034%; no homozygotes.

Submission:

Labcorp Genetics (formerly Invitae), Labcorp
Classification: Uncertain significance. Last evaluated: 2025-06-16. Review status: criteria provided, single submitter. Criteria: Invitae Variant Classification Sherloc (09022015). Collection method: clinical testing. Allele origin: germline.
Comment: This sequence change replaces valine, which is neutral and non-polar, with isoleucine, which is neutral and non-polar, at codon 31 of the TSPAN12 protein (p.Val31Ile). This variant is not present in population databases (gnomAD no frequency). This variant has not been reported in the literature in individuals affected with TSPAN12-related conditions. ClinVar contains an entry for this variant (Variation ID: 2106081). Invitae Evidence Modeling of protein sequence and biophysical properties (such as structural, functional, and spatial information, amino acid conservation, physicochemical variation, residue mobility, and thermodynamic stability) indicates that this missense variant is not expected to disrupt TSPAN12 protein function with a negative predictive value of 80%. In summary, the available evidence is currently insufficient to determine the role of this variant in disease. Therefore, it has been classified as a Variant of Uncertain Significance.